The following is an entry in ClinVar:

NM_004168.4(SDHA):c.527A>G (p.Gln176Arg)

Gene: SDHA (succinate dehydrogenase complex flavoprotein subunit A; plus strand). Cytogenetic location: 5p15.33.
Variant type: single nucleotide variant.
Coding change: c.527A>G on transcript NM_004168.4 (MANE Select); coding-DNA position 527, A replaced by G.
Protein change: p.Gln176Arg; replaces glutamine 176 with arginine.
Molecular consequence: missense variant.
Genome position (GRCh38, 1-based): chr5:225,953, A>G. VCF-style: chr5-225953-A-G. GRCh37 (hg19) VCF-style: chr5-226068-A-G.
Other names: c.383A>G, p.Gln128Arg (NM_001294332.2); c.527A>G, p.Gln176Arg (NM_001330758.2); short protein forms Q176R, Q128R.
Identifiers: ClinVar variation 1746545 (VCV001746545.4), dbSNP rs1269124718, ClinGen allele CA359010212.

ClinVar aggregate classification (germline): Uncertain significance (1 of 4 stars; one submission).

Conditions:
Hereditary cancer-predisposing syndrome. Also called: Neoplastic Syndromes, Hereditary; Tumor predisposition; Hereditary Cancer Syndrome; Hereditary neoplastic syndrome. Identifiers: Orphanet 140162, MedGen C0027672, MeSH D009386, MONDO:0015356.

Submission:

Ambry Genetics
Classification: Uncertain significance for Hereditary cancer-predisposing syndrome. Last evaluated: 2026-06-05. Review status: criteria provided, single submitter. Criteria: Ambry Variant Classification Scheme 2023. Collection method: clinical testing. Allele origin: germline.
Comment: The p.Q176R variant (also known as c.527A>G), located in coding exon 5 of the SDHA gene, results from an A to G substitution at nucleotide position 527. The glutamine at codon 176 is replaced by arginine, an amino acid with highly similar properties. This amino acid position is highly conserved in available vertebrate species. In addition, this alteration is predicted to be deleterious by in silico analysis. Based on the available evidence, the clinical significance of this variant remains unclear.